The following is an entry in ClinVar:

ClinVar aggregate classification (germline): Uncertain significance (1 of 4 stars; one submission).

Conditions:
Inborn genetic diseases. Identifiers: MedGen C0950123, MeSH D030342.

Submission:

Ambry Genetics
Classification: Uncertain significance for Inborn genetic diseases. Last evaluated: 2025-11-29. Review status: criteria provided, single submitter. Criteria: Ambry Variant Classification Scheme 2023. Collection method: clinical testing. Allele origin: germline.
Comment: The p.H285R variant (also known as c.854A>G), located in coding exon 6 of the MECOM gene, results from an A to G substitution at nucleotide position 854. The histidine at codon 285 is replaced by arginine, an amino acid with highly similar properties. This amino acid position is conserved. In addition, this alteration is predicted to be deleterious by in silico analysis. Based on the available evidence, the clinical significance of this variant remains unclear.

NM_004991.4(MECOM):c.854A>G (p.His285Arg)

Gene: MECOM (MDS1 and EVI1 complex locus; minus strand). Cytogenetic location: 3q26.2.
Variant type: single nucleotide variant.
Coding change: c.854A>G on transcript NM_004991.4 (MANE Select); coding-DNA position 854, A replaced by G.
Protein change: p.His285Arg; replaces histidine 285 with arginine.
Molecular consequence: missense variant.
Genome position (GRCh38, 1-based): chr3:169,122,704, T>C on the plus strand (A>G on the coding strand, the complement: MECOM is on the minus strand). VCF-style: chr3-169122704-T-C. GRCh37 (hg19) VCF-style: chr3-168840492-T-C.
Other names: c.854A>G, p.His285Arg (NM_001366473.2, NM_001366466.2); c.290A>G, p.His97Arg (NM_001366474.2, NM_005241.4, NM_001205194.2 and 9 more transcripts); c.482A>G, p.His161Arg (NM_001105077.4); short protein forms H285R, H97R, H161R.
Identifiers: ClinVar variation 4624726 (VCV004624726.1).